The following is an entry in ClinVar:

NM_001184880.2(PCDH19):c.3182C>T (p.Ala1061Val)

Gene: PCDH19 (protocadherin 19; minus strand). Cytogenetic location: Xq22.1.
Variant type: single nucleotide variant.
Coding change: c.3182C>T on transcript NM_001184880.2 (MANE Select); coding-DNA position 3182, C replaced by T.
Protein change: p.Ala1061Val; replaces alanine 1061 with valine.
Molecular consequence: missense variant.
Genome position (GRCh38, 1-based): chrX:100,296,542, G>A on the plus strand (C>T on the coding strand, the complement: PCDH19 is on the minus strand). VCF-style: chrX-100296542-G-A. GRCh37 (hg19) VCF-style: chrX-99551540-G-A.
Other names: c.3041C>T, p.Ala1014Val (NM_001105243.2); c.3038C>T, p.Ala1013Val (NM_020766.3); short protein forms A1013V, A1014V, A1061V.
Identifiers: ClinVar variation 3376106 (VCV003376106.1).

ClinVar aggregate classification (germline): Uncertain significance (1 of 4 stars; one submission).

gnomAD v4.1: 3 of 1,210,781 alleles (0.00025%); highest among the groups gnomAD compares: Non-Finnish European, 0.00034%; no homozygotes.

Submission:

GeneDx
Classification: Uncertain significance. Last evaluated: 2024-05-07. Review status: criteria provided, single submitter. Criteria: GeneDx Variant Classification Process June 2021. Collection method: clinical testing. Allele origin: germline. Affected: yes.
Comment: Not observed at significant frequency in large population cohorts (gnomAD); In silico analysis indicates that this missense variant does not alter protein structure/function; Has not been previously published as pathogenic or benign to our knowledge